The following is an entry in ClinVar:

ClinVar aggregate classification (germline): Uncertain significance. Review status: criteria provided, single submitter (1 of 4 stars). 2 submissions from 2 submitters: Uncertain significance (1). 1 of the submissions does not count toward it. Last evaluated 2024-11-29.

Conditions:
Methylmalonic acidemia (MMA). Also called: Isolated Methylmalonic Acidemia. Identifiers: MedGen C0268583, MeSH C537358, MONDO:0002012, HP:0002912.
Combined malonic and methylmalonic acidemia. Identifiers: Orphanet 289504, MedGen C3280314, MONDO:0013661, OMIM 614265.

Allele frequency attached by ClinVar (database versions not stated): gnomAD exomes 0.00010 and 0.00017; TOPMed 0.00014; gnomAD 0.00017 and 0.00019; ExAC 0.00018.
gnomAD v4.1: 174 of 1,602,748 alleles (0.011%); highest among the groups gnomAD compares: Admixed American, 0.031%; no homozygotes.

Submissions (2):

Labcorp Genetics (formerly Invitae), Labcorp
Classification: Uncertain significance for Combined malonic and methylmalonic acidemia. Last evaluated: 2024-11-29. Review status: criteria provided, single submitter. Criteria: Invitae Variant Classification Sherloc (09022015). Collection method: clinical testing. Allele origin: germline.
Comment: This sequence change replaces proline, which is neutral and non-polar, with leucine, which is neutral and non-polar, at codon 166 of the ACSF3 protein (p.Pro166Leu). This variant is present in population databases (rs781425127, gnomAD 0.03%). This variant has not been reported in the literature in individuals affected with ACSF3-related conditions. ClinVar contains an entry for this variant (Variation ID: 991069). Invitae Evidence Modeling of protein sequence and biophysical properties (such as structural, functional, and spatial information, amino acid conservation, physicochemical variation, residue mobility, and thermodynamic stability) has been performed for this missense variant. However, the output from this modeling did not meet the statistical confidence thresholds required to predict the impact of this variant on ACSF3 protein function. In summary, the available evidence is currently insufficient to determine the role of this variant in disease. Therefore, it has been classified as a Variant of Uncertain Significance.

Natera, Inc.
Classification: Uncertain significance for Methylmalonic acidemia. Last evaluated: 2020-06-19. Review status: no assertion criteria provided. Collection method: clinical testing. Allele origin: germline. Not counted in ClinVar's aggregate classification.

NM_001243279.3(ACSF3):c.497C>T (p.Pro166Leu)

Gene: ACSF3 (acyl-CoA synthetase family member 3; plus strand). Cytogenetic location: 16q24.3.
Variant type: single nucleotide variant.
Coding change: c.497C>T on transcript NM_001243279.3 (MANE Select); coding-DNA position 497, C replaced by T.
Protein change: p.Pro166Leu; replaces proline 166 with leucine.
Molecular consequence: missense variant. On other transcripts: non-coding transcript variant (3), intron variant (1).
Genome position (GRCh38, 1-based): chr16:89,101,178, C>T. VCF-style: chr16-89101178-C-T. GRCh37 (hg19) VCF-style: chr16-89167586-C-T.
Other names: c.497C>T, p.Pro166Leu (NM_001127214.4, NM_174917.5); c.-129-1426C>T (NM_001284316.2); short protein forms P166L.
Identifiers: ClinVar variation 991069 (VCV000991069.4), dbSNP rs781425127, ClinGen allele CA8237672.